The following is an entry in ClinVar:

ClinVar aggregate classification (germline): Uncertain significance. Review status: criteria provided, multiple submitters, no conflicts (2 of 4 stars). 4 submissions from 4 submitters: Uncertain significance (4). Last evaluated 2026-03-04.

Conditions:
Autosomal recessive limb-girdle muscular dystrophy type 2Q (LGMDR17). Also called: MUSCULAR DYSTROPHY, LIMB-GIRDLE, AUTOSOMAL RECESSIVE 17. Identifiers: Orphanet 254361, MedGen C3150989, MONDO:0013390, OMIM 613723.
Epidermolysis bullosa simplex 5B, with muscular dystrophy (EBS5B). Also called: EPIDERMOLYSIS BULLOSA SIMPLEX AND LIMB-GIRDLE MUSCULAR DYSTROPHY; Epidermolysis bullosa simplex with muscular dystrophy. Identifiers: Orphanet 257, MedGen C2931072, MONDO:0009181, OMIM 226670.
Epidermolysis bullosa simplex, Ogna type (EBS5A). Also called: Pidermolysis bullosa simplex 5A, Ogna type; EPIDERMOLYSIS BULLOSA SIMPLEX 5A, OGNA TYPE. Identifiers: Orphanet 79401, MedGen C0432317, MONDO:0007555, OMIM 131950.
Epidermolysis bullosa simplex with nail dystrophy (EBS5D). Identifiers: MedGen C4225309, MONDO:0014661, OMIM 616487.
Epidermolysis bullosa simplex 5C, with pyloric atresia (EBS5C). Also called: PLEC-Related Epidermolysis Bullosa with Pyloric Atresia; Epidermolysis bullosa simplex with pyloric atresia; PLEC1-Related Epidermolysis Bullosa with Pyloric Atresia. Identifiers: Orphanet 158684, MedGen C2677349, MONDO:0012807, OMIM 612138.
PLEC-related disorder. Also called: PLEC-related disorders; PLEC-related condition.
Inborn genetic diseases. Identifiers: MedGen C0950123, MeSH D030342.

Allele frequency attached by ClinVar (database versions not stated): ExAC 0.00001; gnomAD 0.00001; gnomAD exomes 0.00002.
gnomAD v4.1: 23 of 1,610,260 alleles (0.0014%); highest among the groups gnomAD compares: Middle Eastern, 0.017%; no homozygotes.

Submissions (4):

PreventionGenetics, part of Exact Sciences
Classification: Uncertain significance for PLEC-related condition. Last evaluated: 2026-03-04. Review status: criteria provided, single submitter. Criteria: ACMG Guidelines, 2015. Collection method: clinical testing. Allele origin: germline.
Comment: The PLEC c.1622G>A variant is predicted to result in the amino acid substitution p.Arg541His. To our knowledge, this variant has not been reported in the literature. This variant is reported in 0.012% of alleles in individuals of Latino descent in gnomAD. At this time, the clinical significance of this variant is uncertain due to the absence of conclusive functional and genetic evidence.

Labcorp Genetics (formerly Invitae), Labcorp
Classification: Uncertain significance for Autosomal recessive limb-girdle muscular dystrophy type 2Q; Epidermolysis bullosa simplex, Ogna type; Epidermolysis bullosa simplex with nail dystrophy; Epidermolysis bullosa simplex 5C, with pyloric atresia; Epidermolysis bullosa simplex 5B, with muscular dystrophy. Last evaluated: 2025-04-10. Review status: criteria provided, single submitter. Criteria: Invitae Variant Classification Sherloc (09022015). Collection method: clinical testing. Allele origin: germline.
Comment: This sequence change replaces arginine, which is basic and polar, with histidine, which is basic and polar, at codon 541 of the PLEC protein (p.Arg541His). This variant is present in population databases (rs781887816, gnomAD 0.01%). This variant has not been reported in the literature in individuals affected with PLEC-related conditions. ClinVar contains an entry for this variant (Variation ID: 487333). An algorithm developed to predict the effect of missense changes on protein structure and function outputs the following: PolyPhen-2: "Not Available". The histidine amino acid residue is found in multiple mammalian species, which suggests that this missense change does not adversely affect protein function. In summary, the available evidence is currently insufficient to determine the role of this variant in disease. Therefore, it has been classified as a Variant of Uncertain Significance.

Ambry Genetics
Classification: Uncertain significance for Inborn genetic diseases. Last evaluated: 2024-03-15. Review status: criteria provided, single submitter. Criteria: Ambry Variant Classification Scheme 2023. Collection method: clinical testing. Allele origin: germline.

Eurofins Ntd Llc (ga)
Classification: Uncertain significance. Last evaluated: 2017-02-07. Review status: criteria provided, single submitter. Criteria: EGL Classification Definitions 2015. Collection method: clinical testing. Allele origin: germline. Observed: 1 variant allele, 1 heterozygote.

NM_201384.3(PLEC):c.1541G>A (p.Arg514His)

Gene: PLEC (plectin; minus strand). Cytogenetic location: 8q24.3.
Variant type: single nucleotide variant.
Coding change: c.1541G>A on transcript NM_201384.3 (MANE Select); coding-DNA position 1541, G replaced by A.
Protein change: p.Arg514His; replaces arginine 514 with histidine.
Molecular consequence: missense variant.
Genome position (GRCh38, 1-based): chr8:143,932,989, C>T on the plus strand (G>A on the coding strand, the complement: PLEC is on the minus strand). VCF-style: chr8-143932989-C-T. GRCh37 (hg19) VCF-style: chr8-145007157-C-T.
Other names: c.1622G>A, p.Arg541His (NM_000445.5); c.1499G>A, p.Arg500His (NM_201378.4); c.1475G>A, p.Arg492His (NM_201379.3); c.1952G>A, p.Arg651His (NM_201380.4); c.1445G>A, p.Arg482His (NM_201381.3); c.1541G>A, p.Arg514His (NM_201382.4); c.1553G>A, p.Arg518His (NM_201383.3); c.1622G>A (NM_000445.3); short protein forms R482H, R492H, R500H, R514H, R518H, R541H, R651H.
Identifiers: ClinVar variation 487333 (VCV000487333.11), dbSNP rs781887816, ClinGen allele CA4927931.